The following is an entry in ClinVar:

NM_002834.5(PTPN11):c.712G>A (p.Glu238Lys)

Gene: PTPN11 (protein tyrosine phosphatase non-receptor type 11; plus strand). Cytogenetic location: 12q24.13.
Variant type: single nucleotide variant.
Coding change: c.712G>A on transcript NM_002834.5 (MANE Select); coding-DNA position 712, G replaced by A.
Protein change: p.Glu238Lys; replaces glutamic acid 238 with lysine.
Molecular consequence: missense variant.
Genome position (GRCh38, 1-based): chr12:112,456,019, G>A. VCF-style: chr12-112456019-G-A. GRCh37 (hg19) VCF-style: chr12-112893823-G-A.
Other names: c.712G>A, p.Glu238Lys (NM_001330437.2, NM_080601.3); c.709G>A, p.Glu237Lys (NM_001374625.1); short protein forms E238K, E237K.
Identifiers: ClinVar variation 2077108 (VCV002077108.5), dbSNP rs2540425527, ClinGen allele CA386784423.

ClinVar aggregate classification (germline): Uncertain significance. Review status: criteria provided, multiple submitters, no conflicts (2 of 4 stars). 2 submissions from 2 submitters: Uncertain significance (2). Last evaluated 2024-08-18.

Conditions:
RASopathy. Also called: Noonan spectrum disorder; rasopathies. Identifiers: Orphanet 536391, MedGen C5555857, MONDO:0021060.

Submissions (2):

Labcorp Genetics (formerly Invitae), Labcorp
Classification: Uncertain significance for RASopathy. Last evaluated: 2024-08-18. Review status: criteria provided, single submitter. Criteria: Invitae Variant Classification Sherloc (09022015). Collection method: clinical testing. Allele origin: germline.
Comment: This sequence change replaces glutamic acid, which is acidic and polar, with lysine, which is basic and polar, at codon 238 of the PTPN11 protein (p.Glu238Lys). This variant is not present in population databases (gnomAD no frequency). This variant has not been reported in the literature in individuals affected with PTPN11-related conditions. ClinVar contains an entry for this variant (Variation ID: 2077108). Invitae Evidence Modeling of protein sequence and biophysical properties (such as structural, functional, and spatial information, amino acid conservation, physicochemical variation, residue mobility, and thermodynamic stability) indicates that this missense variant is expected to disrupt PTPN11 protein function with a positive predictive value of 95%. In summary, the available evidence is currently insufficient to determine the role of this variant in disease. Therefore, it has been classified as a Variant of Uncertain Significance.

GeneDx
Classification: Uncertain significance. Last evaluated: 2023-01-12. Review status: criteria provided, single submitter. Criteria: GeneDx Variant Classification Process June 2021. Collection method: clinical testing. Allele origin: germline. Affected: yes.
Comment: Not observed at significant frequency in large population cohorts (gnomAD); Missense variants in this gene are often considered pathogenic (HGMD); In silico analysis supports that this missense variant does not alter protein structure/function; Has not been previously published as pathogenic or benign to our knowledge; This variant is associated with the following publications: (PMID: 29493581)